The following is an entry in ClinVar:

ClinVar aggregate classification (germline): Likely benign. Review status: criteria provided, multiple submitters, no conflicts (2 of 4 stars). 2 submissions from 2 submitters: Likely benign (2). Last evaluated 2025-05-19.

Conditions:
Tuberous sclerosis 2 (TSC2). Identifiers: Orphanet 805, MedGen C1860707, MONDO:0013199, OMIM 613254.

Submissions (2):

Myriad Genetics, Inc.
Classification: Likely benign for Tuberous sclerosis 2. Last evaluated: 2025-05-19. Review status: criteria provided, single submitter. Criteria: Myriad Autosomal Dominant, Autosomal Recessive and X-Linked Classification Criteria (2023). Collection method: clinical testing. Allele origin: unknown.
Comment: This variant is considered likely benign. This variant is intronic and is not expected to impact mRNA splicing.

Labcorp Genetics (formerly Invitae), Labcorp
Classification: Likely benign for Tuberous sclerosis 2. Last evaluated: 2024-12-16. Review status: criteria provided, single submitter. Criteria: Invitae Variant Classification Sherloc (09022015). Collection method: clinical testing. Allele origin: germline.

NM_000548.5(TSC2):c.2098-7C>T

Gene: TSC2 (TSC complex subunit 2; plus strand). Cytogenetic location: 16p13.3.
Variant type: single nucleotide variant.
Coding change: c.2098-7C>T on transcript NM_000548.5 (MANE Select); 7 bases into the intron before coding-DNA position 2098, C replaced by T.
Molecular consequence: intron variant. On other transcripts: non-coding transcript variant (2).
Genome position (GRCh38, 1-based): chr16:2,072,234, C>T. VCF-style: chr16-2072234-C-T. GRCh37 (hg19) VCF-style: chr16-2122235-C-T.
Other names: c.754-7C>T (NM_001406693.1, NM_001406689.1, NM_001406690.1 and 6 more transcripts); c.2188-7C>T (NM_001406667.1, NM_001406668.1); c.1498-7C>T (NM_001406680.1, NM_001406683.1, NM_001406687.1 and 6 more transcripts); c.496-7C>T (NM_001406698.1); c.2098-7C>T (NM_001114382.3, NM_001406663.1, NM_001406664.1 and 6 more transcripts); c.2086-7C>T (NM_001406671.1, NM_001406673.1); c.1636-7C>T (NM_001406681.1); c.1987-7C>T (NM_001406670.1, NM_001318827.2, NM_001406678.1); and 3 more.
Identifiers: ClinVar variation 3624678 (VCV003624678.3).